The following is an entry in ClinVar:

NM_198578.4(LRRK2):c.5350A>G (p.Ile1784Val)

Gene: LRRK2 (leucine rich repeat kinase 2; plus strand). Cytogenetic location: 12q12.
Variant type: single nucleotide variant.
Coding change: c.5350A>G on transcript NM_198578.4 (MANE Select); coding-DNA position 5350, A replaced by G.
Protein change: p.Ile1784Val; replaces isoleucine 1784 with valine.
Molecular consequence: missense variant.
Genome position (GRCh38, 1-based): chr12:40,322,351, A>G. VCF-style: chr12-40322351-A-G. GRCh37 (hg19) VCF-style: chr12-40716153-A-G.
Other names: short protein forms I1784V.
Identifiers: ClinVar variation 1747012 (VCV001747012.2), dbSNP rs2499884974, ClinGen allele CA384420564.

ClinVar aggregate classification (germline): Uncertain significance (1 of 4 stars; one submission).

Conditions:
Inborn genetic diseases. Identifiers: MedGen C0950123, MeSH D030342.

Allele frequency attached by ClinVar (database versions not stated): gnomAD exomes below 0.00001.
gnomAD v4.1: 2 of 1,613,686 alleles (0.00012%); highest among the groups gnomAD compares: Non-Finnish European, 0.00017%; no homozygotes.

Submission:

Ambry Genetics
Classification: Uncertain significance for Inborn genetic diseases. Last evaluated: 2021-12-21. Review status: criteria provided, single submitter. Criteria: Ambry Variant Classification Scheme 2023. Collection method: clinical testing. Allele origin: germline.
Comment: The p.I1784V variant (also known as c.5350A>G), located in coding exon 37 of the LRRK2 gene, results from an A to G substitution at nucleotide position 5350. The isoleucine at codon 1784 is replaced by valine, an amino acid with highly similar properties. This amino acid position is conserved. In addition, this alteration is predicted to be tolerated by in silico analysis. Since supporting evidence is limited at this time, the clinical significance of this alteration remains unclear.